The following is an entry in ClinVar:

ClinVar aggregate classification (germline): Uncertain significance (1 of 4 stars; one submission).

Allele frequency attached by ClinVar (database versions not stated): TOPMed below 0.00001; gnomAD exomes 0.00001; ExAC 0.00002.

Submission:

GeneDx
Classification: Uncertain significance. Last evaluated: 2023-03-01. Review status: criteria provided, single submitter. Criteria: GeneDx Variant Classification Process June 2021. Collection method: clinical testing. Allele origin: germline. Affected: yes.
Comment: Not observed at significant frequency in large population cohorts (gnomAD); In silico analysis supports that this missense variant has a deleterious effect on protein structure/function; Has not been previously published as pathogenic or benign to our knowledge

NM_020117.11(LARS1):c.1922A>C (p.Lys641Thr)

Gene: LARS1 (leucyl-tRNA synthetase 1; minus strand). Cytogenetic location: 5q32.
Variant type: single nucleotide variant.
Coding change: c.1922A>C on transcript NM_020117.11 (MANE Select); coding-DNA position 1922, A replaced by C.
Protein change: p.Lys641Thr; replaces lysine 641 with threonine.
Molecular consequence: missense variant.
Genome position (GRCh38, 1-based): chr5:146,143,040, T>G on the plus strand (A>C on the coding strand, the complement: LARS1 is on the minus strand). VCF-style: chr5-146143040-T-G. GRCh37 (hg19) VCF-style: chr5-145522603-T-G.
Other names: c.1784A>C, p.Lys595Thr (NM_001317964.2); c.1760A>C, p.Lys587Thr (NM_001317965.2); c.1841A>C, p.Lys614Thr (NM_016460.4); short protein forms K587T, K595T, K614T, K641T.
Identifiers: ClinVar variation 2578257 (VCV002578257.1), dbSNP rs747935819, ClinGen allele CA3489464.